The following is an entry in ClinVar:

NM_000384.3(APOB):c.2980C>T (p.Pro994Ser)

Gene: APOB (apolipoprotein B; minus strand). Cytogenetic location: 2p24.1.
Variant type: single nucleotide variant.
Coding change: c.2980C>T on transcript NM_000384.3 (MANE Select); coding-DNA position 2980, C replaced by T.
Protein change: p.Pro994Ser; replaces proline 994 with serine.
Molecular consequence: missense variant.
Genome position (GRCh38, 1-based): chr2:21,019,742, G>A on the plus strand (C>T on the coding strand, the complement: APOB is on the minus strand). VCF-style: chr2-21019742-G-A. GRCh37 (hg19) VCF-style: chr2-21242614-G-A.
Other names: short protein forms P994S.
Identifiers: ClinVar variation 3415597 (VCV003415597.1).

ClinVar aggregate classification (germline): Uncertain significance (1 of 4 stars; one submission).

Conditions:
Cardiovascular phenotype. Identifiers: MedGen CN230736.

gnomAD v4.1: 1 of 1,614,140 alleles (0.000062%); highest among the groups gnomAD compares: Non-Finnish European, 0.000085%; no homozygotes.

Submission:

Ambry Genetics
Classification: Uncertain significance for Cardiovascular phenotype. Last evaluated: 2024-08-01. Review status: criteria provided, single submitter. Criteria: Ambry Variant Classification Scheme 2023. Collection method: clinical testing. Allele origin: germline.
Comment: The p.P994S variant (also known as c.2980C>T), located in coding exon 19 of the APOB gene, results from a C to T substitution at nucleotide position 2980. The proline at codon 994 is replaced by serine, an amino acid with similar properties. This amino acid position is well conserved in available vertebrate species. In addition, the in silico prediction for this alteration is inconclusive. Based on the available evidence, the clinical significance of this variant remains unclear.